The following is an entry in ClinVar:

ClinVar aggregate classification (germline): Uncertain significance (1 of 4 stars; one submission).

Conditions:
Immunodeficiency 35 (IMD35). Also called: HIES WITH ATYPICAL MYCOBACTERIOSIS, AUTOSOMAL RECESSIVE; HYPER-IgE SYNDROME WITH ATYPICAL MYCOBACTERIOSIS, AUTOSOMAL RECESSIVE; TYK2 DEFICIENCY; Susceptibility to infection due to TYK2 deficiency. Identifiers: Orphanet 331226, MedGen C1969086, MONDO:0012682, OMIM 611521.

Allele frequency attached by ClinVar (database versions not stated): TOPMed below 0.00001; gnomAD 0.00001.
gnomAD v4.1: 1 of 1,613,418 alleles (0.000062%); highest among the groups gnomAD compares: Non-Finnish European, 0.000085%; no homozygotes.

Submission:

Labcorp Genetics (formerly Invitae), Labcorp
Classification: Uncertain significance for Immunodeficiency 35. Last evaluated: 2017-11-22. Review status: criteria provided, single submitter. Criteria: Invitae Variant Classification Sherloc (09022015). Collection method: clinical testing. Allele origin: germline.
Comment: This sequence change replaces proline with serine at codon 785 of the TYK2 protein (p.Pro785Ser). The proline residue is weakly conserved and there is a moderate physicochemical difference between proline and serine. This variant is not present in population databases (ExAC no frequency). This variant has not been reported in the literature in individuals with TYK2-related disease. Algorithms developed to predict the effect of missense changes on protein structure and function output the following: SIFT: "Tolerated"; PolyPhen-2: "Benign"; Align-GVGD: "Class C0". The serine amino acid residue is found in multiple mammalian species, suggesting that this missense change does not adversely affect protein function. These predictions have not been confirmed by published functional studies and their clinical significance is uncertain. In summary, the available evidence is currently insufficient to determine the role of this variant in disease. Therefore, it has been classified as a Variant of Uncertain Significance.

NM_003331.5(TYK2):c.2353C>T (p.Pro785Ser)

Gene: TYK2 (tyrosine kinase 2; minus strand). Cytogenetic location: 19p13.2.
Variant type: single nucleotide variant.
Coding change: c.2353C>T on transcript NM_003331.5 (MANE Select); coding-DNA position 2353, C replaced by T.
Protein change: p.Pro785Ser; replaces proline 785 with serine.
Molecular consequence: missense variant.
Genome position (GRCh38, 1-based): chr19:10,357,877, G>A on the plus strand (C>T on the coding strand, the complement: TYK2 is on the minus strand). VCF-style: chr19-10357877-G-A. GRCh37 (hg19) VCF-style: chr19-10468553-G-A.
Other names: c.2353C>T (LRG_121t1); short protein forms P785S.
Identifiers: ClinVar variation 536644 (VCV000536644.1), dbSNP rs972911609, ClinGen allele CA305197838.